The following is an entry in ClinVar:

NM_004006.3(DMD):c.1869C>A (p.Leu623=)

Gene: DMD (dystrophin; minus strand). Cytogenetic location: Xp21.1.
Variant type: single nucleotide variant.
Coding change: c.1869C>A on transcript NM_004006.3 (MANE Select); coding-DNA position 1869, C replaced by A.
Protein change: p.Leu623=; no amino-acid change (leucine 623 retained).
Molecular consequence: synonymous variant.
Genome position (GRCh38, 1-based): chrX:32,565,825, G>T on the plus strand (C>A on the coding strand, the complement: DMD is on the minus strand). VCF-style: chrX-32565825-G-T. GRCh37 (hg19) VCF-style: chrX-32583942-G-T.
Other names: c.1845C>A, p.Leu615= (NM_000109.4); c.1857C>A, p.Leu619= (NM_004009.3); c.1500C>A, p.Leu500= (NM_004010.3).
Identifiers: ClinVar variation 4820781 (VCV004820781.4).
Genomic context (GRCh38, chrX:32,565,825, plus strand): 5'-CCATGCTTCCGTCTTCTGGGTCACTGACTTATTCTTCAGTGTTGAAAGAAGATCTTGTTT[G>T]AGTGAATACAGTTTGCCCATGGATTGCTTTTTCTTTTCTAGATCCGCTTTTAAAACCTGT-3'
Protein context (NP_003997.2, residues 613-633): KKQSMGKLYS[Leu623=]KQDLLSTLKN

ClinVar aggregate classification (germline): Likely benign (1 of 4 stars; one submission).

Submission:

CeGaT Center for Human Genetics Tuebingen
Classification: Likely benign. Last evaluated: 2026-02-01. Review status: criteria provided, single submitter. Criteria: CeGaT Center For Human Genetics Tuebingen Variant Classification Criteria Version 2. Collection method: clinical testing. Allele origin: germline. Affected: yes. Observed: 1 variant allele.
Comment: DMD: PM2:Supporting, BP4, BP7